The following is an entry in ClinVar:

NM_015000.4(STK38L):c.187-6dup

Gene: STK38L (serine/threonine kinase 38 like; plus strand). Cytogenetic location: 12p11.23.
Variant type: Duplication.
Coding change: c.187-6dup on transcript NM_015000.4 (MANE Select); 6 bases into the intron before coding-DNA position 187, one base duplicated (T; older notation c.187-6dupT).
Molecular consequence: intron variant.
Genome position (GRCh38, 1-based): chr12:27,308,333, T duplicated; the last of 9 consecutive T bases (chr12:27,308,325-27,308,333); duplicating any one gives the same sequence. VCF-style (leftmost placement, unchanged base first): chr12-27308324-G-GT. GRCh37 (hg19) VCF-style: chr12-27461257-G-GT.
Identifiers: ClinVar variation 3055581 (VCV003055581.2), dbSNP rs768230650, ClinGen allele CA6491951.
Genomic context (GRCh38, chr12:27,308,324, plus strand): 5'-ATCTTTTAATACTAGAAGCTCCATCAAAACAACCTAATTATAAAATCATCCGTTTAAATT[G>GT]TTTTTTTTTAATAGAAAAAGTTACGTCGATCACAACACGCTCGCAAAGAAACAGAGTTCT-3'

ClinVar aggregate classification (germline): Likely benign (0 of 4 stars; one submission).

Conditions:
STK38L-related disorder. Also called: STK38L-related condition.

Submission:

PreventionGenetics, part of Exact Sciences
Classification: Likely benign for STK38L-related condition. Last evaluated: 2019-06-12. Review status: no assertion criteria provided. Collection method: clinical testing. Allele origin: germline.
Comment: This variant is classified as likely benign based on ACMG/AMP sequence variant interpretation guidelines (Richards et al. 2015 PMID: 25741868, with internal and published modifications).